The following is an entry in ClinVar:

ClinVar aggregate classification (germline): Likely benign. Review status: criteria provided, multiple submitters, no conflicts (2 of 4 stars). 2 submissions from 2 submitters: Likely benign (2). Last evaluated 2025-02-13.

Conditions:
Hereditary diffuse gastric adenocarcinoma (HDGC). Also called: DIFFUSE GASTRIC AND LOBULAR BREAST CANCER SYNDROME. Identifiers: Orphanet 26106, MedGen C1708349, MONDO:0007648, OMIM 137215.

Submissions (2):

Labcorp Genetics (formerly Invitae), Labcorp
Classification: Likely benign. Last evaluated: 2025-02-13. Review status: criteria provided, single submitter. Criteria: Invitae Variant Classification Sherloc (09022015). Collection method: clinical testing. Allele origin: germline.

Myriad Genetics, Inc.
Classification: Likely benign for Hereditary diffuse gastric adenocarcinoma. Last evaluated: 2024-10-09. Review status: criteria provided, single submitter. Criteria: Myriad Autosomal Dominant, Autosomal Recessive and X-Linked Classification Criteria (2023). Collection method: clinical testing. Allele origin: unknown.
Comment: This variant is considered likely benign. This variant is intronic and is not expected to impact mRNA splicing.

NM_001903.5(CTNNA1):c.469-20G>C

Gene: CTNNA1 (catenin alpha 1; plus strand). Cytogenetic location: 5q31.2.
Variant type: single nucleotide variant.
Coding change: c.469-20G>C on transcript NM_001903.5 (MANE Select); 20 bases into the intron before coding-DNA position 469, G replaced by C.
Molecular consequence: intron variant.
Genome position (GRCh38, 1-based): chr5:138,812,163, G>C. VCF-style: chr5-138812163-G-C. GRCh37 (hg19) VCF-style: chr5-138147852-G-C.
Other names: c.469-20G>C (NM_001323982.2, NM_001323984.2, NM_001290307.3 and 3 more transcripts); c.100-20G>C (NM_001290310.3); c.160-20G>C (NM_001290309.3).
Identifiers: ClinVar variation 2097653 (VCV002097653.5), dbSNP rs1758884414, ClinGen allele CA2580072851.
Genomic context (GRCh38, chr5:138,812,163, plus strand): 5'-ATGAAAATTCCTAGGATGCCATCTTCTTTACAGACCTACATTCAGAATTTTTGGGTTTTG[G>C]GGTCTTTCTTATTTTATAGGTGGAAGATGGTATCTTGAAGTTGAGGAATGCTGGCAATGA-3'